The following is an entry in ClinVar:

NM_133510.4(RAD51B):c.608G>T (p.Gly203Val)

Gene: RAD51B (RAD51 paralog B; plus strand). Cytogenetic location: 14q24.1.
Variant type: single nucleotide variant.
Coding change: c.608G>T on transcript NM_133510.4 (MANE Select); coding-DNA position 608, G replaced by T.
Protein change: p.Gly203Val; replaces glycine 203 with valine.
Molecular consequence: missense variant.
Genome position (GRCh38, 1-based): chr14:67,887,056, G>T. VCF-style: chr14-67887056-G-T. GRCh37 (hg19) VCF-style: chr14-68353773-G-T.
Other names: c.608G>T, p.Gly203Val (NM_001321809.2, NM_001321810.2, NM_001321812.1 and 6 more transcripts); c.494G>T, p.Gly165Val (NM_001321815.1); c.251G>T, p.Gly84Val (NM_001321817.2); short protein forms G165V, G84V, G203V.
Identifiers: ClinVar variation 4575303 (VCV004575303.1).

ClinVar aggregate classification (germline): Uncertain significance (1 of 4 stars; one submission).

Submission:

Ambry Genetics
Classification: Uncertain significance. Last evaluated: 2025-10-29. Review status: criteria provided, single submitter. Criteria: Ambry Variant Classification Scheme 2023. Collection method: clinical testing. Allele origin: germline.
Comment: The p.G203V variant (also known as c.608G>T), located in coding exon 6 of the RAD51B gene, results from a G to T substitution at nucleotide position 608. The glycine at codon 203 is replaced by valine, an amino acid with dissimilar properties. This amino acid position is conserved. In addition, this alteration is predicted to be tolerated by in silico analysis. Based on the available evidence, the clinical significance of this variant remains unclear.